The following is an entry in ClinVar:

ClinVar aggregate classification (germline): Pathogenic. Review status: criteria provided, multiple submitters, no conflicts (2 of 4 stars). 8 submissions from 8 submitters: Pathogenic (7). 1 of the submissions does not count toward it. Last evaluated 2026-03-06.

Conditions:
Hypertrophic cardiomyopathy 26. Also called: Cardiomyopathy, familial hypertrophic, 26. Identifiers: Orphanet 75249, MedGen C4310749, MONDO:0014883, OMIM 617047.
Myofibrillar myopathy 5. Also called: FILAMINOPATHY, AUTOSOMAL DOMINANT; Filaminopathy (type). Identifiers: Orphanet 171445, MedGen C1836050, MONDO:0012289, OMIM 609524.
Distal myopathy with posterior leg and anterior hand involvement. Also called: WILLIAMS DISTAL MYOPATHY. Identifiers: Orphanet 63273, MedGen C3279722, MONDO:0013550, OMIM 614065.
Cardiovascular phenotype. Identifiers: MedGen CN230736.
FLNC-related disorder. Also called: FLNC-related condition; FLNC-related disorders.
Primary dilated cardiomyopathy (DCM). Also called: Dilated Cardiomyopathy. Identifiers: Orphanet 217604, MedGen C0007193, MeSH D002311, MONDO:0005021, HP:0001644. Inheritance: Various modes of inheritance.
Cardiomyopathy (CMYO). Also called: Cardiomyopathies. Identifiers: Orphanet 167848, MedGen C0878544, MONDO:0004994, HP:0001638. Inheritance: Various modes of inheritance.

Allele frequency attached by ClinVar (database versions not stated): gnomAD exomes below 0.00001.

Submissions (8):

Women's Health and Genetics/Laboratory Corporation of America, LabCorp
Classification: Pathogenic for Cardiomyopathy. Last evaluated: 2026-03-06. Review status: criteria provided, single submitter. Criteria: LabCorp Variant Classification Summary - May 2015. Collection method: clinical testing. Allele origin: germline.
Comment: Variant summary: FLNC c.1444C>T (p.Arg482X) results in a premature termination codon, predicted to cause a truncation of the encoded protein or absence of the protein due to nonsense mediated decay, which are commonly known mechanisms for disease. The variant allele was found at a frequency of 2.5e-06 in 1614034 control chromosomes. c.1444C>T has been observed in individuals affected with Cardiomyopathy (e.g. Hall_2020). These data indicate that the variant is likely to be associated with disease. To our knowledge, no experimental evidence demonstrating an impact on protein function has been reported. The following publication has been ascertained in the context of this evaluation (PMID: 31627847). ClinVar contains an entry for this variant (Variation ID: 517207). Based on the evidence outlined above, the variant was classified as pathogenic.

Labcorp Genetics (formerly Invitae), Labcorp
Classification: Pathogenic for Distal myopathy with posterior leg and anterior hand involvement; Myofibrillar myopathy 5; Hypertrophic cardiomyopathy 26. Last evaluated: 2025-12-17. Review status: criteria provided, single submitter. Criteria: Invitae Variant Classification Sherloc (09022015). Collection method: clinical testing. Allele origin: germline.
Comment: This sequence change creates a premature translational stop signal (p.Arg482*) in the FLNC gene. It is expected to result in an absent or disrupted protein product. Loss-of-function variants in FLNC are known to be pathogenic (PMID: 27908349). This variant is not present in population databases (gnomAD no frequency). This premature translational stop signal has been observed in individual(s) with dilated cardiomyopathy (PMID: 29235529). ClinVar contains an entry for this variant (Variation ID: 517207). For these reasons, this variant has been classified as Pathogenic.

Victorian Clinical Genetics Services, Murdoch Childrens Research Institute
Classification: Pathogenic for Primary dilated cardiomyopathy. Last evaluated: 2025-12-04. Review status: criteria provided, single submitter. Criteria: ACMG Guidelines, 2015. Collection method: clinical testing. Allele origin: germline. Affected: no.
Comment: This variant is classified as Pathogenic. Evidence in support of pathogenic classification: Variant is predicted to cause nonsense-mediated decay (NMD) and loss of protein (premature termination codon is located at least 54 nucleotides upstream of the final exon-exon junction); Variant is present in gnomAD <0.001 for a dominant condition (v4: 4 heterozygote(s), 0 homozygote(s)); This variant has strong previous evidence of pathogenicity in unrelated individuals. This variant has been classified as pathogenic by multiple clinical laboratories (ClinVar). This variant has been reported in individuals affected with either arrhythmogenic cardiomyopathy (ARVC) or dilated cardiomyopathy (DCM) (PMIDs: 31627847, 29235529, VCGS internal data, and personal communication); This variant has moderate evidence for segregation with disease. This variant has been shown to segregate in two families with DCM or ARVC (PMIDs: 29235529, 31627847); Other NMD-predicted variants comparable to the one identified in this case have very strong previous evidence for pathogenicity. These variants have been reported many times as pathogenic, and mostly observed in individuals with dilated cardiomyopathy (DCM) (DECIPHER, PMID: 32112656). Additional information: This variant is heterozygous; This gene is associated with autosomal dominant disease. Variants located throughout the gene that are predicted to result in nonsense-mediated decay (NMD) are enriched in dilated cardiomyopathy, whereas missense variants in the ROD2 domain are enriched in familial hypertrophic cardiomyopathy 26 and familial restrictive cardiomyopathy 5 (MIM#617047). Additionally, myofibrillar myopathy 5 (MIM#609524) is known to result from either missense variants in the ROD2 domain or truncating variants in the Ig-like domain 24, while missense variants in the actin-binding domain and NMD-predicted variants located in the Ig-like domain 15 and have been reported for distal myopathy 4 (MIM#614065) (PMID: 32112656); Loss of function and gain of function are known mechanisms of disease in this gene. Loss of function is the established mechanism of disease for variants in dilated cardiomyopathy (PMID: 32112656), familial hypertrophic cardiomyopathy 26 (MIM#617047), familial restrictive cardiomyopathy 5 (MIM#617047), familial arrhythmogenic right ventricular dysplasia (MIM#617047), and myofibrillar myopathy 5 (MIM#609524). In distal myopathy 4 (MIM#614065), NMD-predicted variants cause a loss of function, however missense variants have been shown to result in a toxic gain of function (PMID: 32112656); Inheritance information for this variant is not currently available in this individual.

PreventionGenetics, part of Exact Sciences
Classification: Pathogenic for FLNC-related condition. Last evaluated: 2025-11-11. Review status: criteria provided, single submitter. Criteria: ACMG Guidelines, 2015. Collection method: clinical testing. Allele origin: germline.
Comment: The FLNC c.1444C>T variant is predicted to result in premature protein termination (p.Arg482*). This variant has been reported in individuals with arrhythmogenic cardiomyopathy and/or dilated cardiomyopathy (see for example: Tobita et al. 2017. PubMed ID: 29235529; Hall et al. 2019. PubMed ID: 31627847). This variant has not been reported in a large population database (gnomAD), indicating this variant is rare. Nonsense variants in FLNC are expected to be pathogenic. This variant is interpreted as pathogenic.

Ambry Genetics
Classification: Pathogenic for Cardiovascular phenotype. Last evaluated: 2025-05-18. Review status: criteria provided, single submitter. Criteria: Ambry Variant Classification Scheme 2023. Collection method: clinical testing. Allele origin: germline.
Comment: The p.R482* pathogenic mutation (also known as c.1444C>T), located in coding exon 9 of the FLNC gene, results from a C to T substitution at nucleotide position 1444. This changes the amino acid from an arginine to a stop codon within coding exon 9. This variant was reported in individual(s) with features consistent with FLNC-related dilated cardiomyopathy and segregated with disease in at least one family (Tobita T et al. Sci Rep, 2017 Dec;7:17495; Hall CL et al. Int J Cardiol, 2020 May;307:101-108; Josephs KS et al. Genome Med, 2024 Oct;16:125; Neves R et al. Circ Genom Precis Med, 2022 Feb;15:e003497; Ambry internal data). This variant is considered to be rare based on population cohorts in the Genome Aggregation Database (gnomAD). This alteration is expected to result in loss of function by premature protein truncation or nonsense-mediated mRNA decay. As such, this alteration is interpreted as a disease-causing mutation for FLNC-related dilated cardiomyopathy; however, its clinical significance for FLNC-related hypertrophic/restrictive cardiomyopathy and/or skeletal myopathy is uncertain.

GeneDx
Classification: Pathogenic. Last evaluated: 2024-02-29. Review status: criteria provided, single submitter. Criteria: GeneDx Variant Classification Process June 2021. Collection method: clinical testing. Allele origin: germline. Affected: yes.
Comment: Identified in patients with DCM and ARVC in published literature (PMID: 31317183, 31627847, 29235529); one family also harbored a MYLK3 variant that segregated with disease; Not observed at significant frequency in large population cohorts (gnomAD); Nonsense variant predicted to result in protein truncation or nonsense mediated decay in a gene for which loss of function is a known mechanism of disease; This variant is associated with the following publications: (PMID: 31317183, 31627847, 29235529, 34587765)

CHEO Genetics Diagnostic Laboratory, Children's Hospital of Eastern Ontario
Classification: Pathogenic for Cardiomyopathy. Last evaluated: 2022-08-04. Review status: criteria provided, single submitter. Criteria: ACMG Guidelines, 2015. Collection method: clinical testing. Allele origin: germline.

Laboratory for Molecular Medicine, Mass General Brigham Personalized Medicine
Classification: Uncertain significance. Last evaluated: 2016-12-07. Review status: flagged submission. Criteria: LMM Criteria. Collection method: clinical testing. Allele origin: germline. Observed: 3 variant alleles. Not counted in ClinVar's aggregate classification.
Comment: Variant classified as Uncertain Significance - Favor Pathogenic. It was absent from large popu lation studies. This nonsense variant leads to a premature termination codon at position 482, which is predicted to lead to a truncated or absent protein. The F LNC gene is associated with myofibrillar myopathy but variants have recently als o been reported in individuals with isolated inherited cardiomyopathies (includi ng HCM, DCM and RCM). Overall the number of reported variants is still low and l oss of function as a disease mechanism is not yet firmly established for this ge ne. In summary, while there is some suspicion for a pathogenic role, the clinica l significance of the p.Arg482X variant is uncertain.
ClinVar note: Reason: Older and outlier claim with insufficient supporting evidence

Literature cited by the submitters: PubMed 31627847 (cited by 3 submitters); PubMed 27908349 (cited by Labcorp Genetics (formerly Invitae), Labcorp); PubMed 29235529 (cited by 3 submitters); PubMed 32112656 (cited by Victorian Clinical Genetics Services, Murdoch Childrens Research Institute); PubMed 34949102 (cited by Ambry Genetics); PubMed 39472908 (cited by Ambry Genetics).

NM_001458.5(FLNC):c.1444C>T (p.Arg482Ter)

Gene: FLNC (filamin C; plus strand). Cytogenetic location: 7q32.1.
Variant type: single nucleotide variant.
Coding change: c.1444C>T on transcript NM_001458.5 (MANE Select); coding-DNA position 1444, C replaced by T.
Protein change: p.Arg482Ter; replaces arginine 482 with a stop codon.
Molecular consequence: nonsense.
Genome position (GRCh38, 1-based): chr7:128,840,055, C>T. VCF-style: chr7-128840055-C-T. GRCh37 (hg19) VCF-style: chr7-128480109-C-T.
Other names: c.1444C>T, p.Arg482Ter (NM_001127487.2); short protein forms R482*.
Identifiers: ClinVar variation 517207 (VCV000517207.22), dbSNP rs1420159591, ClinGen allele CA369225516.